The following is an entry in ClinVar:

NM_001267550.2(TTN):c.12151G>T (p.Asp4051Tyr)

Gene: TTN (titin; minus strand). Cytogenetic location: 2q31.2.
Variant type: single nucleotide variant.
Coding change: c.12151G>T on transcript NM_001267550.2 (MANE Select); coding-DNA position 12151, G replaced by T.
Protein change: p.Asp4051Tyr; replaces aspartic acid 4051 with tyrosine.
Molecular consequence: missense variant. On other transcripts: intron variant (1).
Genome position (GRCh38, 1-based): chr2:178,741,082, C>A on the plus strand (G>T on the coding strand, the complement: TTN is on the minus strand). VCF-style: chr2-178741082-C-A. GRCh37 (hg19) VCF-style: chr2-179605809-C-A.
Other names: c.11200G>T, p.Asp3734Tyr (NM_001256850.1); c.11062G>T, p.Asp3688Tyr (NM_003319.4); c.11437G>T, p.Asp3813Tyr (NM_133432.3); c.11638G>T, p.Asp3880Tyr (NM_133437.4); c.10361-2722G>T (NM_133378.4); short protein forms D3688Y, D3734Y, D3813Y, D3880Y, D4051Y.
Identifiers: ClinVar variation 2584584 (VCV002584584.2), dbSNP rs1349501051, ClinGen allele CA349616423.

ClinVar aggregate classification (germline): Uncertain significance. Review status: criteria provided, multiple submitters, no conflicts (2 of 4 stars). 2 submissions from 2 submitters: Uncertain significance (2). Last evaluated 2025-11-05.

Conditions:
Dilated cardiomyopathy 1G (CMD1G). Identifiers: Orphanet 154, MedGen C1858763, MONDO:0011400, OMIM 604145.
Hypertrophic cardiomyopathy 9. Also called: Familial hypertrophic cardiomyopathy 9. Identifiers: MedGen C1861065, MONDO:0013412, OMIM 613765.
TTN-related disorder. Also called: TTN-related disorders; TTN-related condition; TTN-related disease.

gnomAD v4.1: 3 of 1,613,890 alleles (0.00019%); highest among the groups gnomAD compares: South Asian, 0.0011%; no homozygotes.

Submissions (2):

PreventionGenetics, part of Exact Sciences
Classification: Uncertain significance for TTN-related condition. Last evaluated: 2025-11-05. Review status: criteria provided, single submitter. Criteria: ACMG Guidelines, 2015. Collection method: clinical testing. Allele origin: germline.
Comment: The TTN c.12151G>T variant is predicted to result in the amino acid substitution p.Asp4051Tyr. To our knowledge, this variant has not been reported in the literature. This variant is reported in 0.0033% of alleles in individuals of South Asian descent in gnomAD. At this time, the clinical significance of this variant is uncertain due to the absence of conclusive functional and genetic evidence.

New York Genome Center
Classification: Uncertain significance for Dilated cardiomyopathy 1G; Hypertrophic cardiomyopathy 9. Last evaluated: 2023-02-06. Review status: criteria provided, single submitter. Criteria: NYGC Assertion Criteria 2020. Collection method: clinical testing. Allele origin: germline. Observed: 1 heterozygote.